The following is an entry in ClinVar:

NM_006231.4(POLE):c.3198_3202del (p.Gln1067fs)

Gene: POLE (DNA polymerase epsilon, catalytic subunit; minus strand). Cytogenetic location: 12q24.33.
Variant type: Deletion.
Coding change: c.3198_3202del on transcript NM_006231.4 (MANE Select); coding-DNA positions 3198 to 3202, 5 bases deleted (CCAGA; older notation c.3198_3202delCCAGA).
Protein change: p.Gln1067fs; shifts the reading frame from glutamine 1067.
Molecular consequence: frameshift variant.
Genome position (GRCh38, 1-based): chr12:132,659,368-132,659,372, TCTGG deleted on the plus strand (CCAGA on the coding strand, the reverse complement: POLE is on the minus strand); deleting any 5 consecutive bases within chr12:132,659,368-132,659,375 gives the same sequence; the c. name uses the placement nearest the transcript's 3' end. VCF-style (leftmost placement, unchanged base first): chr12-132659367-ATCTGG-A. GRCh37 (hg19) VCF-style: chr12-133235953-ATCTGG-A.
Other names: short protein forms Q1067fs.
Identifiers: ClinVar variation 4726922 (VCV004726922.1).

ClinVar aggregate classification (germline): Pathogenic (1 of 4 stars; one submission).

Submission:

Labcorp Genetics (formerly Invitae), Labcorp
Classification: Pathogenic. Last evaluated: 2025-09-10. Review status: criteria provided, single submitter. Criteria: Invitae Variant Classification Sherloc (09022015). Collection method: clinical testing. Allele origin: germline.
Comment: This sequence change creates a premature translational stop signal (p.Gln1067Glyfs*55) in the POLE gene. It is expected to result in an absent or disrupted protein product. Loss-of-function variants in POLE are known to be pathogenic (PMID: 23230001, 25948378, 30503519). This variant is not present in population databases (gnomAD no frequency). This variant has not been reported in the literature in individuals affected with POLE-related conditions. For these reasons, this variant has been classified as Pathogenic.

Literature cited by the submitters: PubMed 23230001; PubMed 25948378; PubMed 30503519.